The following is an entry in ClinVar:

ClinVar aggregate classification (germline): Uncertain significance (1 of 4 stars; one submission).

Conditions:
Inborn genetic diseases. Identifiers: MedGen C0950123, MeSH D030342.

gnomAD v4.1: 2 of 1,612,546 alleles (0.00012%); highest among the groups gnomAD compares: African/African-American, 0.0013%; no homozygotes.

Submission:

Ambry Genetics
Classification: Uncertain significance for Inborn genetic diseases. Last evaluated: 2025-03-20. Review status: criteria provided, single submitter. Criteria: Ambry Variant Classification Scheme 2023. Collection method: clinical testing. Allele origin: germline.
Comment: The p.G170R variant (also known as c.508G>A), located in coding exon 3 of the ERCC6L2 gene, results from a G to A substitution at nucleotide position 508. The glycine at codon 170 is replaced by arginine, an amino acid with dissimilar properties. This amino acid position is conserved. In addition, the in silico prediction for this alteration is inconclusive. Based on the available evidence, the clinical significance of this variant remains unclear.

NM_020207.7(ERCC6L2):c.508G>A (p.Gly170Arg)

Gene: ERCC6L2 (ERCC excision repair 6 like 2; plus strand). Cytogenetic location: 9q22.32.
Variant type: single nucleotide variant.
Coding change: c.508G>A on transcript NM_020207.7 (MANE Select); coding-DNA position 508, G replaced by A.
Protein change: p.Gly170Arg; replaces glycine 170 with arginine.
Molecular consequence: missense variant. On other transcripts: non-coding transcript variant (1).
Genome position (GRCh38, 1-based): chr9:95,897,885, G>A. VCF-style: chr9-95897885-G-A. GRCh37 (hg19) VCF-style: chr9-98660167-G-A.
Other names: c.508G>A, p.Gly170Arg (NM_001010895.4, NM_001375291.1, NM_001375292.1 and 2 more transcripts); short protein forms G170R.
Identifiers: ClinVar variation 4019255 (VCV004019255.1).